The following is an entry in ClinVar:

NM_019098.5(CNGB3):c.1924G>T (p.Ala642Ser)

Gene: CNGB3 (cyclic nucleotide gated channel subunit beta 3; minus strand). Cytogenetic location: 8q21.3.
Variant type: single nucleotide variant.
Coding change: c.1924G>T on transcript NM_019098.5 (MANE Select); coding-DNA position 1924, G replaced by T.
Protein change: p.Ala642Ser; replaces alanine 642 with serine.
Molecular consequence: missense variant.
Genome position (GRCh38, 1-based): chr8:86,579,110, C>A on the plus strand (G>T on the coding strand, the complement: CNGB3 is on the minus strand). VCF-style: chr8-86579110-C-A. GRCh37 (hg19) VCF-style: chr8-87591338-C-A.
Other names: short protein forms A642S.
Identifiers: ClinVar variation 1352670 (VCV001352670.8), dbSNP rs371424750, ClinGen allele CA371447690.

ClinVar aggregate classification (germline): Uncertain significance (1 of 4 stars; one submission).

gnomAD v4.1: 1 of 1,614,178 alleles (0.000062%); highest among the groups gnomAD compares: African/African-American, 0.0013%; no homozygotes.

Submission:

Labcorp Genetics (formerly Invitae), Labcorp
Classification: Uncertain significance. Last evaluated: 2022-02-03. Review status: criteria provided, single submitter. Criteria: Invitae Variant Classification Sherloc (09022015). Collection method: clinical testing. Allele origin: germline.
Comment: In summary, the available evidence is currently insufficient to determine the role of this variant in disease. Therefore, it has been classified as a Variant of Uncertain Significance. Advanced modeling of protein sequence and biophysical properties (such as structural, functional, and spatial information, amino acid conservation, physicochemical variation, residue mobility, and thermodynamic stability) performed at Invitae indicates that this missense variant is not expected to disrupt CNGB3 protein function. This variant has not been reported in the literature in individuals affected with CNGB3-related conditions. This variant is present in population databases (no rsID available, gnomAD 0.007%). This sequence change replaces alanine, which is neutral and non-polar, with serine, which is neutral and polar, at codon 642 of the CNGB3 protein (p.Ala642Ser).